The following is an entry in ClinVar:

ClinVar aggregate classification (germline): Likely risk allele (1 of 4 stars; one submission).

Conditions:
Maturity-onset diabetes of the young (MODY). Also called: Maturity onset diabetes mellitus in young. Identifiers: Orphanet 552, MedGen C0342276, MONDO:0018911, HP:0004904.

Allele frequency attached by ClinVar (database versions not stated): TOPMed below 0.00001.

Submission:

Clinical Genomics, Uppaluri K&H Personalized Medicine Clinic
Classification: Likely risk allele for Maturity-onset diabetes of the young. Review status: criteria provided, single submitter. Criteria: K & H Uppaluri Personalized Medicine Clinic Variant Classification & Assertion Criteria_Updated V.1. Collection method: research. Allele origin: unknown. Inheritance: Autosomal dominant inheritance.
Comment: Mutations in HNF1A gene can predispose to MODY3. It is associated with both micro and macrovascular complications of diabetes, especially cardiovascular complications. Associated with glucosuria. May respond well to sulfonylureas. However, more evidence is required to confer the association of this particular variant rs1426548804 with MODY3.

Literature cited by the submitters: PubMed 31517624; PubMed 32395877; PubMed 35328643; PubMed 35673428.

NM_000545.8(HNF1A):c.805G>T (p.Ala269Ser)

Gene: HNF1A (HNF1 homeobox A; plus strand). Cytogenetic location: 12q24.31.
Variant type: single nucleotide variant.
Coding change: c.805G>T on transcript NM_000545.8 (MANE Select); coding-DNA position 805, G replaced by T.
Protein change: p.Ala269Ser; replaces alanine 269 with serine.
Molecular consequence: missense variant.
Genome position (GRCh38, 1-based): chr12:120,994,255, G>T. VCF-style: chr12-120994255-G-T. GRCh37 (hg19) VCF-style: chr12-121432058-G-T.
Other names: c.805G>T, p.Ala269Ser (NM_001306179.2, NM_001406915.1); short protein forms A269S.
Identifiers: ClinVar variation 1801506 (VCV001801506.1), dbSNP rs1426548804, ClinGen allele CA386966300.